The following is an entry in ClinVar:

ClinVar aggregate classification (germline): Likely pathogenic (1 of 4 stars; one submission).

Conditions:
ABCA12-related disorder. Also called: ABCA12-related condition.

Submission:

PreventionGenetics, part of Exact Sciences
Classification: Likely pathogenic for ABCA12-related condition. Last evaluated: 2025-07-07. Review status: criteria provided, single submitter. Criteria: ACMG Guidelines, 2015. Collection method: clinical testing. Allele origin: germline.
Comment: The ABCA12 c.3360delA variant is predicted to result in a frameshift and premature protein termination (p.Leu1122Tyrfs*6). To our knowledge, this variant has not been reported in the literature or in a large population database (gnomAD), indicating this variant is rare. Frameshift variants in ABCA12 are expected to be pathogenic. This variant is interpreted as likely pathogenic.

NM_173076.3(ABCA12):c.3360del (p.Leu1122fs)

Gene: ABCA12 (ATP binding cassette subfamily A member 12; minus strand). Cytogenetic location: 2q35.
Variant type: Deletion.
Coding change: c.3360del on transcript NM_173076.3 (MANE Select); coding-DNA position 3360, one base deleted (A; older notation c.3360delA).
Protein change: p.Leu1122fs; shifts the reading frame from leucine 1122.
Molecular consequence: frameshift variant. On other transcripts: non-coding transcript variant (1).
Genome position (GRCh38, 1-based): chr2:214,990,966, T deleted on the plus strand (A on the coding strand, the reverse complement: ABCA12 is on the minus strand). VCF-style (leftmost placement, unchanged base first): chr2-214990965-AT-A. GRCh37 (hg19) VCF-style: chr2-215855689-AT-A.
Other names: c.2406del, p.Leu804fs (NM_015657.4); short protein forms L1122fs, L804fs.
Identifiers: ClinVar variation 5000564 (VCV005000564.1).
Genomic context (GRCh38, chr2:214,990,965, plus strand): 5'-TAGGAAGAATATTGCCAAACTTGAGTATAATGATGAGGATCACGATGGTAACCAGTAAAA[AT>A]CCAACACTCTCTATAAGCCAGGCAAAGAAATGGCTGCAGGAGTTCACACCCATCATCTTC-3'